The following is an entry in ClinVar:

NM_032638.5(GATA2):c.430G>T (p.Ala144Ser)

Gene: GATA2 (GATA binding protein 2; minus strand). Cytogenetic location: 3q21.3.
Variant type: single nucleotide variant.
Coding change: c.430G>T on transcript NM_032638.5 (MANE Select); coding-DNA position 430, G replaced by T.
Protein change: p.Ala144Ser; replaces alanine 144 with serine.
Molecular consequence: missense variant.
Genome position (GRCh38, 1-based): chr3:128,486,168, C>A on the plus strand (G>T on the coding strand, the complement: GATA2 is on the minus strand). VCF-style: chr3-128486168-C-A. GRCh37 (hg19) VCF-style: chr3-128205011-C-A.
Other names: c.430G>T, p.Ala144Ser (NM_001145661.2, NM_001145662.1); short protein forms A144S.
Identifiers: ClinVar variation 4028469 (VCV004028469.1).
Genomic context (GRCh38, chr3:128,486,168, plus strand): 5'-CTGCTGTAGGGGTGAGGGAGGCCACTGAGCTCCCGCTGCCTCCCCCGCTCCCACCCCCAG[C>A]CCCTGGGTACACAGAGAGTGGGCCTCCAGGGCCTCCAGCAGCTGAGGGGTGCAGTGGCGT-3'
Protein context (NP_116027.2, residues 134-154): PGGPLSVYPG[Ala144Ser]GGGSGGGSGS

ClinVar aggregate classification (germline): Uncertain significance (1 of 4 stars; one submission).

Conditions:
Inborn genetic diseases. Identifiers: MedGen C0950123, MeSH D030342.

gnomAD v4.1: 8 of 1,568,598 alleles (0.00051%); highest among the groups gnomAD compares: Non-Finnish European, 0.00052%; no homozygotes.

Submission:

Ambry Genetics
Classification: Uncertain significance for Inborn genetic diseases. Last evaluated: 2025-03-29. Review status: criteria provided, single submitter. Criteria: Ambry Variant Classification Scheme 2023. Collection method: clinical testing. Allele origin: germline.
Comment: The p.A144S variant (also known as c.430G>T), located in coding exon 2 of the GATA2 gene, results from a G to T substitution at nucleotide position 430. The alanine at codon 144 is replaced by serine, an amino acid with similar properties. This amino acid position is well conserved in available vertebrate species. In addition, the in silico prediction for this alteration is inconclusive. Based on the available evidence, the clinical significance of this variant remains unclear.